The following is an entry in ClinVar:

ClinVar aggregate classification (germline): Pathogenic. Review status: reviewed by expert panel (3 of 4 stars). 2 submissions from 2 submitters: Pathogenic (1). 1 of the submissions does not count toward it. Last evaluated 2020-02-14.

Conditions:
Glycogen storage disease, type II (IOPD). Also called: Glycogen storage disease type 2; Acid maltase deficiency disease; Aglucosidase alfa; Deficiency of alpha-glucosidase; Deficiency of lysosomal alpha-glucosidase; Glucosidase acid-1,4-alpha deficiency. Identifiers: Orphanet 365, MedGen C0017921, MONDO:0009290, OMIM 232300.

Submissions (2):

ClinGen Lysosomal Storage Disorder Variant Curation Expert Panel
Classification: Pathogenic for Glycogen storage disease, type II. Last evaluated: 2020-02-14. Review status: reviewed by expert panel. Criteria: ClinGen LSD ACMG Specifications v1. Collection method: curation. Allele origin: germline. Inheritance: Autosomal recessive inheritance.
Comment: This variant, c.399C>A (p.Tyr133Ter), is a nonsense variant that is predicted to result in nonsense mediated decay and absence of gene product, meeting PVS1. When expressed in COS-1 cells, the variant results in no GAA activity and the mutant protein cannot be detected on Western blot, (PMID 14972326) supporting that it is a loss of function variant. The variant is absent in gnomAD v2.1.1, meeting PM2. A patient with infantile onset Pompe disease meeting the ClinGen LSD VCEP's specifications for PP4 has been reported who is homozygous for the variant; both parents were confirmed to be heterozygotes (PMID 14972326), meeting PM3_Supporting. There is no ClinVar entry for this varint. In summary, this variant meets the criteria to be classified as pathogenic for Pompe disease. GAA-specific ACMG/AMP criteria applied, as specified by the ClinGen LSD VCEP: PVS1, PM2, PM3_Supporting, PP4.

Genomenon, Inc
Classification: Pathogenic for Glycogen storage disease, type II. Last evaluated: 2026-07-01. Review status: criteria provided, single submitter. Criteria: Genomenon Sequence Variant Interpretation Standards - Updated. Collection method: curation. Allele origin: germline. Affected: yes. Not counted in ClinVar's aggregate classification.
Comment: GAA p.Tyr133Ter (c.399C>A) is a nonsense variant that introduces a premature stop codon at amino acid position 133 and is predicted to result in a truncated or absent protein product. This variant has been observed in at least one proband with a GAA-related disorder (PMID:14972326). At least one functional study has demonstrated a substantial alteration in protein function relative to the wild-type (PMID:14972326). It is absent or not present at a significant frequency in gnomAD. In conclusion, we classify GAA p.Tyr133Ter (c.399C>A) as a pathogenic variant.

Literature cited by the submitters: PubMed 14972326 (cited by ClinGen Lysosomal Storage Disorder Variant Curation Expert Panel and Genomenon, Inc).

NM_000152.5(GAA):c.399C>A (p.Tyr133Ter)

Gene: GAA (alpha glucosidase; plus strand). Cytogenetic location: 17q25.3.
Variant type: single nucleotide variant.
Coding change: c.399C>A on transcript NM_000152.5 (MANE Select); coding-DNA position 399, C replaced by A.
Protein change: p.Tyr133Ter; replaces tyrosine 133 with a stop codon.
Molecular consequence: nonsense.
Genome position (GRCh38, 1-based): chr17:80,104,985, C>A. VCF-style: chr17-80104985-C-A. GRCh37 (hg19) VCF-style: chr17-78078784-C-A.
Other names: c.399C>A, p.Tyr133Ter (NM_001079803.3, NM_001079804.3); short protein forms Y133*.
Identifiers: ClinVar variation 932906 (VCV000932906.4), dbSNP rs2039042313, ClinGen allele CA401361056.